The following is an entry in ClinVar:

ClinVar aggregate classification (germline): Uncertain significance (1 of 4 stars; one submission).

Submission:

Clinical Genomics Laboratory, Washington University in St. Louis
Classification: Uncertain significance. Last evaluated: 2024-09-06. Review status: criteria provided, single submitter. Criteria: ACMG Guidelines, 2015. Collection method: clinical testing. Allele origin: germline.
Comment: The NTRK3 c.1272del (p.Lys424Asnfs*11) variant, to our knowledge, has not been reported in the medical literature and is absent from the general population (gnomAD v.2.1.1), indicating it is not a common variant. This variant causes a frameshift by deleting one nucleotide, leading to a premature termination codon, which is predicted to lead to nonsense mediated decay. Due to limited information, the clinical significance of this variant is uncertain.

NM_001012338.3(NTRK3):c.1272del (p.Lys424fs)

Gene: NTRK3 (neurotrophic receptor tyrosine kinase 3; minus strand). Cytogenetic location: 15q25.3.
Variant type: Deletion.
Coding change: c.1272del on transcript NM_001012338.3 (MANE Select); coding-DNA position 1272, one base deleted (A; older notation c.1272delA).
Protein change: p.Lys424fs; shifts the reading frame from lysine 424.
Molecular consequence: frameshift variant.
Genome position (GRCh38, 1-based): chr15:88,127,183, T deleted on the plus strand (A on the coding strand, the reverse complement: NTRK3 is on the minus strand); the first of 3 consecutive T bases (chr15:88,127,183-88,127,185); deleting any one gives the same sequence. VCF-style (leftmost placement, unchanged base first): chr15-88127182-GT-G. GRCh37 (hg19) VCF-style: chr15-88670413-GT-G.
Other names: c.1272del, p.Lys424fs (NM_001007156.3, NM_001320134.1, NM_001375810.1 and 3 more transcripts); c.1248del, p.Lys416fs (NM_001243101.2, NM_001375812.1, NM_001375814.1); c.978del, p.Lys326fs (NM_001320135.2); short protein forms K326fs, K416fs, K424fs.
Identifiers: ClinVar variation 3600401 (VCV003600401.1).